The following is an entry in ClinVar:

NM_001256317.3(TMPRSS3):c.38dup (p.Ser14fs)

Gene: TMPRSS3 (transmembrane serine protease 3; minus strand). Cytogenetic location: 21q22.3.
Variant type: Duplication.
Coding change: c.38dup on transcript NM_001256317.3 (MANE Select); coding-DNA position 38, one base duplicated (T; older notation c.38dupT).
Protein change: p.Ser14fs; shifts the reading frame from serine 14.
Molecular consequence: frameshift variant.
Genome position (GRCh38, 1-based): chr21:42,395,380, A duplicated on the plus strand (T on the coding strand, the reverse complement: TMPRSS3 is on the minus strand); the first of 2 consecutive A bases (chr21:42,395,380-42,395,381); duplicating either gives the same sequence. VCF-style (leftmost placement, unchanged base first): chr21-42395379-G-GA. GRCh37 (hg19) VCF-style: chr21-43815488-G-GA.
Other names: c.38dup, p.Ser14fs (NM_024022.4, NM_032405.2); short protein forms S14fs.
Identifiers: ClinVar variation 3601937 (VCV003601937.1).

ClinVar aggregate classification (germline): Pathogenic (1 of 4 stars; one submission).

Conditions:
Autosomal recessive nonsyndromic hearing loss 8 (DFNB8). Also called: NEUROSENSORY NONSYNDROMIC RECESSIVE DEAFNESS 8; Deafness, autosomal recessive 10. Identifiers: Orphanet 90636, MedGen C1832827, MONDO:0010987, OMIM 601072.

Submission:

Institute of Rare Diseases, West China Hospital, Sichuan University
Classification: Pathogenic for Autosomal recessive nonsyndromic hearing loss 8. Last evaluated: 2025-01-09. Review status: criteria provided, single submitter. Criteria: ClinGen HL ACMG Specifications v1. Collection method: research. Allele origin: germline. Affected: yes.
Comment: PVS1;PM3;PM2_Supporting